The following is an entry in ClinVar:

NM_006734.4(HIVEP2):c.734C>T (p.Ala245Val)

Gene: HIVEP2 (HIVEP zinc finger 2; minus strand). Cytogenetic location: 6q24.2.
Variant type: single nucleotide variant.
Coding change: c.734C>T on transcript NM_006734.4 (MANE Select); coding-DNA position 734, C replaced by T.
Protein change: p.Ala245Val; replaces alanine 245 with valine.
Molecular consequence: missense variant.
Genome position (GRCh38, 1-based): chr6:142,774,005, G>A on the plus strand (C>T on the coding strand, the complement: HIVEP2 is on the minus strand). VCF-style: chr6-142774005-G-A. GRCh37 (hg19) VCF-style: chr6-143095142-G-A.
Other names: short protein forms A245V.
Identifiers: ClinVar variation 3377137 (VCV003377137.1).
Genomic context (GRCh38, chr6:142,774,005, plus strand): 5'-ATAAAACCAGCCTCTAGGTCCAATTTAGATACAGCTGACTCTGTGAAAGGTACTAATCCT[G>A]CCTTAATTGCATGGGCATGTGACTTCCTGTGCTTGTACAAATTGCTCTTTGTCTTGAAAG-3'
Protein context (NP_006725.3, residues 235-255): HRKSHAHAIK[Ala245Val]GLVPFTESAV

ClinVar aggregate classification (germline): Uncertain significance (1 of 4 stars; one submission).

Conditions:
Intellectual developmental disorder, autosomal dominant 43. Also called: Intellectual disability, autosomal dominant 43. Identifiers: MedGen C4707429, MONDO:0014858, OMIM 616977.

gnomAD v4.1: 1 of 1,614,212 alleles (0.000062%); highest among the groups gnomAD compares: Non-Finnish European, 0.000085%; no homozygotes.

Submission:

Victorian Clinical Genetics Services, Murdoch Childrens Research Institute
Classification: Uncertain significance for Intellectual developmental disorder, autosomal dominant 43. Last evaluated: 2024-10-10. Review status: criteria provided, single submitter. Criteria: ACMG Guidelines, 2015. Collection method: clinical testing. Allele origin: germline. Inheritance: Autosomal dominant inheritance. Affected: yes.
Comment: Based on the classification scheme VCGS_Germline_v1.3.5, this variant is classified as VUS-3B. Following criteria are met: 0102 - Loss of function is a known mechanism of disease in this gene and is associated with autosomal dominant intellectual developmental disorder 43 (MIM#616977). (I) 0107 - This gene is associated with autosomal dominant disease. (I) 0200 - Variant is predicted to result in a missense amino acid change from alanine to valine. (I) 0251 - This variant is heterozygous. (I) 0302 - Variant is present in gnomAD (v4) <0.001 for a dominant condition (1 heterozygote, 0 homozygotes). (SP) 0309 - Multiple alternative amino acid changes at the same position have been observed in gnomAD (v4) (highest allele count: 6 heterozygotes, 0 homozygotes). (I) 0502 - Missense variant with conflicting in silico predictions and very high conservation. (I) 0604 - Variant is not located in an established domain, motif, hotspot or informative constraint region. (I) 0705 - No comparable missense variants have previous evidence for pathogenicity. (I) 0807 - This variant has no previous evidence of pathogenicity. (I) 0905 - No published segregation evidence has been identified for this variant. (I) 1007 - No published functional evidence has been identified for this variant. (I) 1207 - Parental origin of the variant is unresolved. (I) Legend: (SP) - Supporting pathogenic, (I) - Information, (SB) - Supporting benign